The following is an entry in ClinVar:

NM_015041.3(CLUAP1):c.418G>A (p.Ala140Thr)

Gene: CLUAP1 (clusterin associated protein 1; plus strand). Cytogenetic location: 16p13.3.
Variant type: single nucleotide variant.
Coding change: c.418G>A on transcript NM_015041.3 (MANE Select); coding-DNA position 418, G replaced by A.
Protein change: p.Ala140Thr; replaces alanine 140 with threonine.
Molecular consequence: missense variant. On other transcripts: intron variant (1).
Genome position (GRCh38, 1-based): chr16:3,512,401, G>A. VCF-style: chr16-3512401-G-A. GRCh37 (hg19) VCF-style: chr16-3562401-G-A.
Other names: c.418G>A, p.Ala140Thr (NM_001330454.2); c.-4+2432G>A (NM_024793.3); short protein forms A140T.
Identifiers: ClinVar variation 2791605 (VCV002791605.3), dbSNP rs748376253, ClinGen allele CA7863726.

ClinVar aggregate classification (germline): Uncertain significance (1 of 4 stars; one submission).

Allele frequency attached by ClinVar (database versions not stated): gnomAD exomes below 0.00001; ExAC 0.00001; gnomAD 0.00002.

Submission:

Labcorp Genetics (formerly Invitae), Labcorp
Classification: Uncertain significance. Last evaluated: 2022-12-10. Review status: criteria provided, single submitter. Criteria: Invitae Variant Classification Sherloc (09022015). Collection method: clinical testing. Allele origin: germline.
Comment: This variant is present in population databases (rs748376253, gnomAD 0.0009%). This sequence change replaces alanine, which is neutral and non-polar, with threonine, which is neutral and polar, at codon 140 of the CLUAP1 protein (p.Ala140Thr). Advanced modeling of protein sequence and biophysical properties (such as structural, functional, and spatial information, amino acid conservation, physicochemical variation, residue mobility, and thermodynamic stability) performed at Invitae indicates that this missense variant is not expected to disrupt CLUAP1 protein function. This variant has not been reported in the literature in individuals affected with CLUAP1-related conditions. In summary, the available evidence is currently insufficient to determine the role of this variant in disease. Therefore, it has been classified as a Variant of Uncertain Significance.